The following is an entry in ClinVar:

NM_000492.4(CFTR):c.4412C>T (p.Thr1471Ile)

Genes: CFTR (CF transmembrane conductance regulator; plus strand), LOC111674477 (CFTR intron 23 enhancer; plus strand). Cytogenetic location: 7q31.2.
Variant type: single nucleotide variant.
Coding change: c.4412C>T on transcript NM_000492.4 (MANE Select); coding-DNA position 4412, C replaced by T.
Protein change: p.Thr1471Ile; replaces threonine 1471 with isoleucine.
Molecular consequence: missense variant.
Genome position (GRCh38, 1-based): chr7:117,667,077, C>T. VCF-style: chr7-117667077-C-T. GRCh37 (hg19) VCF-style: chr7-117307131-C-T.
Other names: short protein forms T1471I.
Identifiers: ClinVar variation 1740413 (VCV001740413.2), dbSNP rs1793395595, ClinGen allele CA368985295.

ClinVar aggregate classification (germline): Uncertain significance (1 of 4 stars; one submission).

Conditions:
Cystic fibrosis (CF). Also called: MUCOVISCIDOSIS. Identifiers: Orphanet 586, MedGen C0010674, MONDO:0009061, OMIM 219700. Disease mechanism: loss of function.

Allele frequency attached by ClinVar (database versions not stated): TOPMed below 0.00001.

Submission:

Ambry Genetics
Classification: Uncertain significance for Cystic fibrosis. Last evaluated: 2022-08-23. Review status: criteria provided, single submitter. Criteria: Ambry Variant Classification Scheme 2023. Collection method: clinical testing. Allele origin: germline.
Comment: The p.T1471I variant (also known as c.4412C>T), located in coding exon 27 of the CFTR gene, results from a C to T substitution at nucleotide position 4412. The threonine at codon 1471 is replaced by isoleucine, an amino acid with similar properties. This amino acid position is conserved. In addition, the in silico prediction for this alteration is inconclusive. Since supporting evidence is limited at this time, the clinical significance of this alteration remains unclear.